The following is an entry in ClinVar:

ClinVar aggregate classification (germline): Uncertain significance. Review status: criteria provided, multiple submitters, no conflicts (2 of 4 stars). 2 submissions from 2 submitters: Uncertain significance (2). Last evaluated 2023-09-13.

Conditions:
Nemaline myopathy 2 (NEM2). Also called: Nemaline myopathy 2, autosomal recessive. Identifiers: MedGen C1850569, MONDO:0009725, OMIM 256030.

gnomAD v4.1: 3 of 1,613,956 alleles (0.00019%); highest among the groups gnomAD compares: Middle Eastern, 0.017%; no homozygotes.

Submissions (2):

Labcorp Genetics (formerly Invitae), Labcorp
Classification: Uncertain significance for Nemaline myopathy 2. Last evaluated: 2023-09-13. Review status: criteria provided, single submitter. Criteria: Invitae Variant Classification Sherloc (09022015). Collection method: clinical testing. Allele origin: germline.
Comment: This sequence change replaces aspartic acid, which is acidic and polar, with tyrosine, which is neutral and polar, at codon 8518 of the NEB protein (p.Asp8518Tyr). This variant is not present in population databases (gnomAD no frequency). This variant has not been reported in the literature in individuals affected with NEB-related conditions. ClinVar contains an entry for this variant (Variation ID: 2175559). Experimental studies and prediction algorithms are not available or were not evaluated, and the functional significance of this variant is currently unknown. In summary, the available evidence is currently insufficient to determine the role of this variant in disease. Therefore, it has been classified as a Variant of Uncertain Significance.

Revvity Omics, Revvity
Classification: Uncertain significance. Last evaluated: 2022-06-24. Review status: criteria provided, single submitter. Criteria: ACMG Guidelines, 2015. Collection method: clinical testing. Allele origin: germline.

NM_001164508.2(NEB):c.25447G>T (p.Asp8483Tyr)

Genes: NEB (nebulin; minus strand), RIF1 (replication timing regulatory factor 1; plus strand). Cytogenetic location: 2q23.3.
Variant type: single nucleotide variant.
Coding change: c.25447G>T on transcript NM_001164508.2 (MANE Select); coding-DNA position 25447, G replaced by T.
Protein change: p.Asp8483Tyr; replaces aspartic acid 8483 with tyrosine.
Molecular consequence: missense variant.
Genome position (GRCh38, 1-based): chr2:151,485,891, C>A on the plus strand (G>T on the coding strand, the complement: NEB is on the minus strand). VCF-style: chr2-151485891-C-A. GRCh37 (hg19) VCF-style: chr2-152342405-C-A.
Other names: c.25447G>T, p.Asp8483Tyr (NM_001164507.2); c.25552G>T, p.Asp8518Tyr (NM_001271208.2); c.19879G>T, p.Asp6627Tyr (NM_004543.5); short protein forms D8483Y, D6627Y, D8518Y.
Identifiers: ClinVar variation 2175559 (VCV002175559.5), dbSNP rs993833092, ClinGen allele CA57656017.
Genomic context (GRCh38, chr2:151,485,891, plus strand): 5'-AGCCTTCATCAATTGCTTGAACATTTATGATGGCATCTCCATCCTTGAAGGACACCTCAT[C>A]TGCATCAGCAGCCATATAGTCATACATGGCACGGAAGATTTTCTATTCGTGGGGATGGAA-3'
Protein context (NP_001157980.2, residues 8473-8493): AMYDYMAADA[Asp8483Tyr]EVSFKDGDAI